The following is an entry in ClinVar:

NM_000018.4(ACADVL):c.1103A>C (p.Gln368Pro)

Gene: ACADVL (acyl-CoA dehydrogenase very long chain; plus strand). Cytogenetic location: 17p13.1.
Variant type: single nucleotide variant.
Coding change: c.1103A>C on transcript NM_000018.4 (MANE Select); coding-DNA position 1103, A replaced by C.
Protein change: p.Gln368Pro; replaces glutamine 368 with proline.
Molecular consequence: missense variant.
Genome position (GRCh38, 1-based): chr17:7,223,158, A>C. VCF-style: chr17-7223158-A-C. GRCh37 (hg19) VCF-style: chr17-7126477-A-C.
Other names: NM_000018.4(ACADVL):c.1103A>C; p.Gln368Pro; c.1037A>C, p.Gln346Pro (NM_001033859.3); c.1172A>C, p.Gln391Pro (NM_001270447.2); c.875A>C, p.Gln292Pro (NM_001270448.2); short protein forms Q292P, Q368P, Q391P, Q346P.
Identifiers: ClinVar variation 439360 (VCV000439360.31), dbSNP rs776063244, ClinGen allele CA8337965.
Genomic context (GRCh38, chr17:7,223,158, plus strand): 5'-CTGAACCACAGCGGGATGTGTGGACCCTCTTCCAGGTAGATCATGCCACTAATCGTACCC[A>C]GTTTGGGGAGAAAATTCACAACTTTGGGCTGATCCAGGAGAAGCTGGCACGGATGGTTAT-3'
Protein context (NP_000009.1, residues 358-378): KAVDHATNRT[Gln368Pro]FGEKIHNFGL

ClinVar aggregate classification (germline): Uncertain significance. Review status: reviewed by expert panel (3 of 4 stars). 10 submissions from 10 submitters: Uncertain significance (1). 9 of the submissions do not count toward it. Last evaluated 2026-06-24.

Conditions:
Very long chain acyl-CoA dehydrogenase deficiency (ACADVLD). Also called: VLCAD Deficiency; Very Long-Chain Acyl-Coenzyme A Dehydrogenase Deficiency. Identifiers: Orphanet 26793, MedGen C3887523, MONDO:0008723, OMIM 201475.

Allele frequency attached by ClinVar (database versions not stated): gnomAD exomes below 0.00001; ExAC 0.00001; TOPMed 0.00001.
gnomAD v4.1: 1 of 1,614,066 alleles (0.000062%); highest among the groups gnomAD compares: Non-Finnish European, 0.000085%; no homozygotes.

Submissions (10):

ClinGen ACADVL Variant Curation Expert Panel, ClinGen
Classification: Uncertain significance for Very long chain acyl-CoA dehydrogenase deficiency. Last evaluated: 2026-06-24. Review status: reviewed by expert panel. Criteria: ClinGen ACADVL ACMG Specifications ACADVL V2.1. Collection method: curation. Allele origin: germline. Inheritance: Autosomal recessive inheritance.
Comment: The c.1103A>C (NM_000018.4) variant in ACADVL is a missense variant predicted to cause substitution of glutamine by proline at amino acid 368 (p.Gln368Pro). Several individuals with this variant were identified by newborn screen or were identified in individuals without additional laboratory data to support affected status, so this information is insufficient to use toward classification (PMID: 26385305, 31031081). This variant is only detected on one allele in gnomAD v4.1.1, which is lower than the ClinGen ACADVL Variant Curation Expert Panel threshold (<0.001) for PM2_Supporting, meeting this criterion (PM2_Supporting). The computational predictor REVEL gives a score of 0.98, which is above the threshold of 0.75, evidence that correlates with impact to ACADVL function (PP3). In summary, this variant meets the criteria to be classified as variant of uncertain significance for autosomal recessive very long chain acyl-CoA dehydrogenase (VLCAD) deficiency based on the ACMG/AMP criteria applied, as specified by the ClinGen ACADVL Variant Curation Expert Panel: PP3, PM2_Supporting (ACADVL VCEP specifications version 2.1.0; approved September 4, 2025).

Labcorp Genetics (formerly Invitae), Labcorp
Classification: Likely pathogenic for Very long chain acyl-CoA dehydrogenase deficiency. Last evaluated: 2026-01-21. Review status: criteria provided, single submitter. Criteria: Invitae Variant Classification Sherloc (09022015). Collection method: clinical testing. Allele origin: germline. Not counted in ClinVar's aggregate classification.
Comment: This sequence change replaces glutamine, which is neutral and polar, with proline, which is neutral and non-polar, at codon 368 of the ACADVL protein (p.Gln368Pro). This variant is present in population databases (rs776063244, gnomAD 0.0009%). This missense change has been observed in individual(s) with VLCAD deficiency (PMID: 31031081). ClinVar contains an entry for this variant (Variation ID: 439360). Invitae Evidence Modeling of protein sequence and biophysical properties (such as structural, functional, and spatial information, amino acid conservation, physicochemical variation, residue mobility, and thermodynamic stability) indicates that this missense variant is expected to disrupt ACADVL protein function with a positive predictive value of 80%. In summary, the currently available evidence indicates that the variant is pathogenic, but additional data are needed to prove that conclusively. Therefore, this variant has been classified as Likely Pathogenic.

Revvity Omics, Revvity
Classification: Likely pathogenic for Very long chain acyl-CoA dehydrogenase deficiency. Last evaluated: 2024-02-28. Review status: criteria provided, single submitter. Criteria: ACMG Guidelines, 2015. Collection method: clinical testing. Allele origin: germline. Not counted in ClinVar's aggregate classification.

Baylor Genetics
Classification: Likely pathogenic for Very long chain acyl-CoA dehydrogenase deficiency. Last evaluated: 2023-09-30. Review status: criteria provided, single submitter. Criteria: ACMG Guidelines, 2015. Collection method: clinical testing. Allele origin: unknown. Not counted in ClinVar's aggregate classification.

Blueprint Genetics
Classification: Uncertain significance. Last evaluated: 2023-09-25. Review status: criteria provided, single submitter. Criteria: ACMG Guidelines, 2015. Collection method: clinical testing. Allele origin: germline. Not counted in ClinVar's aggregate classification.

Myriad Genetics, Inc.
Classification: Uncertain significance for Very long chain acyl-CoA dehydrogenase deficiency. Last evaluated: 2021-11-11. Review status: criteria provided, single submitter. Criteria: Myriad Women's Health Autosomal Recessive and X-Linked Classification Criteria (2021). Collection method: clinical testing. Allele origin: unknown. Not counted in ClinVar's aggregate classification.
Comment: NM_000018.3(ACADVL):c.1103A>C(Q368P) is a missense variant classified as a variant of uncertain significance in the context of very-long-chain acyl-CoA dehydrogenase deficiency. Q368P has been observed in cases with relevant disease (PMID: 26385305, 31031081). Functional assessments of this variant are not available in the literature. Q368P has been observed in population frequency databases (gnomAD: NFE 0.01%). In summary, there is insufficient evidence to classify NM_000018.3(ACADVL):c.1103A>C(Q368P) as pathogenic or benign. Please note: this variant was assessed in the context of healthy population screening.

Wong Mito Lab, Molecular and Human Genetics, Baylor College of Medicine
Classification: Likely pathogenic for Very long chain acyl-CoA dehydrogenase deficiency. Last evaluated: 2019-11-01. Review status: criteria provided, single submitter. Criteria: ACMG Guidelines, 2015. Collection method: clinical testing. Allele origin: germline. Not counted in ClinVar's aggregate classification.
Comment: The NM_000018.3:c.1103A>C (NP_000009.1:p.Gln368Pro) [GRCH38: NC_000017.11:g.7223158A>C] variant in ACADVL gene is interpretated to be Likely Pathogenic based on ACMG guidelines (PMID: 25741868). This variant has been reported. This variant meets the following evidence codes reported in the ACMG guidelines: PS3, PM1, PP3

Molecular Diagnostics Laboratory, M Health Fairview: University of Minnesota
Classification: Likely pathogenic for Very long chain acyl-CoA dehydrogenase deficiency. Last evaluated: 2017-03-13. Review status: criteria provided, single submitter. Criteria: ACMG Guidelines, 2015. Collection method: clinical testing. Allele origin: germline. Affected: yes. Observed: 1 variant allele. Not counted in ClinVar's aggregate classification.

ARUP Laboratories, Molecular Genetics and Genomics, ARUP Laboratories
Classification: Likely pathogenic. Last evaluated: 2017-01-05. Review status: criteria provided, single submitter. Criteria: ARUP Molecular Germline Variant Investigation Process. Collection method: clinical testing. Allele origin: germline. Not counted in ClinVar's aggregate classification.

Eurofins Ntd Llc (ga)
Classification: Uncertain significance. Last evaluated: 2016-11-10. Review status: criteria provided, single submitter. Criteria: EGL Classification Definitions 2015. Collection method: clinical testing. Allele origin: germline. Observed: 1 variant allele, 1 heterozygote. Not counted in ClinVar's aggregate classification.

Literature cited by the submitters: PubMed 31031081 (cited by Labcorp Genetics (formerly Invitae), Labcorp and Myriad Genetics, Inc.); PubMed 26385305 (cited by 3 submitters).